The following is an entry in ClinVar:

NM_031892.3(SH3KBP1):c.286+5544C>G

Gene: SH3KBP1 (SH3 domain containing kinase binding protein 1; minus strand). Cytogenetic location: Xp22.12.
Variant type: single nucleotide variant.
Coding change: c.286+5544C>G on transcript NM_031892.3 (MANE Select); 5544 bases into the intron after coding-DNA position 286, C replaced by G.
Molecular consequence: intron variant.
Genome position (GRCh38, 1-based): chrX:19,740,774, G>C on the plus strand (C>G on the coding strand, the complement: SH3KBP1 is on the minus strand). VCF-style: chrX-19740774-G-C. GRCh37 (hg19) VCF-style: chrX-19758892-G-C.
Other names: c.286+5544C>G (NM_001353890.2, NM_001353892.2, NM_001353891.2 and 2 more transcripts); c.109+5544C>G (NM_001353894.2, NM_001353893.2, NM_001353895.2 and 1 more transcripts); c.175+5544C>G (NM_001024666.3).
Identifiers: ClinVar variation 2660134 (VCV002660134.24), dbSNP rs747149939, ClinGen allele CA10364920.

ClinVar aggregate classification (germline): Likely benign (1 of 4 stars; one submission).

Allele frequency attached by ClinVar (database versions not stated): gnomAD exomes 0.00019; ExAC 0.00050.
gnomAD v4.1: 63 of 327,546 alleles (0.019%); highest among the groups gnomAD compares: Admixed American, 0.048%; no homozygotes.

Submission:

CeGaT Center for Human Genetics Tuebingen
Classification: Likely benign. Last evaluated: 2022-11-01. Review status: criteria provided, single submitter. Criteria: CeGaT Center For Human Genetics Tuebingen Variant Classification Criteria Version 2. Collection method: clinical testing. Allele origin: germline. Affected: yes. Observed: 1 variant allele.
Comment: SH3KBP1: BS2